The following is an entry in ClinVar:

NM_177438.3(DICER1):c.4207-41_5364+1034del

Gene: DICER1 (dicer 1, ribonuclease III; minus strand). Cytogenetic location: 14q32.13.
Variant type: Deletion.
Coding change: c.4207-41_5364+1034del on transcript NM_177438.3 (MANE Select); 41 bases into the intron before coding-DNA position 4207 through 1034 bases into the intron after coding-DNA position 5364, 3,901 bases deleted.
Molecular consequence: splice acceptor variant, splice donor variant.
Genome position (GRCh38, 1-based): chr14:95,092,854-95,096,754, 3,901 bases deleted. GRCh37 (hg19): chr14:95,559,193-95,563,093.
Other names: c.4207-41_5364+1034del (NM_001291628.2, NM_030621.4, NM_001271282.3 and 1 more transcripts).
Identifiers: ClinVar variation 933073 (VCV000933073.3), ClinGen allele CA1139663689.

ClinVar aggregate classification (germline): Pathogenic (1 of 4 stars; one submission).

Conditions:
DICER1-related tumor predisposition. Also called: DICER1-related pleuropulmonary blastoma cancer predisposition syndrome; DICER1 syndrome. Identifiers: Orphanet 284343, MedGen C3839822, MONDO:0100216.

Submission:

Foulkes Cancer Genetics LDI, Lady Davis Institute for Medical Research
Classification: Pathogenic for Pleuropulmonary blastoma. Last evaluated: 2019-07-01. Review status: criteria provided, single submitter. Criteria: ACMG Guidelines, 2015. Collection method: curation. Allele origin: germline. Affected: yes and no. Observed: 9 variant alleles.
Comment: ACMG criteria met: PVS1, PP1, PP4

Literature cited by the submitters: PubMed 29187512.